The following is an entry in ClinVar:

ClinVar aggregate classification (germline): Uncertain significance (1 of 4 stars; one submission).

Conditions:
Cystic fibrosis (CF). Also called: MUCOVISCIDOSIS. Identifiers: Orphanet 586, MedGen C0010674, MONDO:0009061, OMIM 219700. Disease mechanism: loss of function.

Submission:

Ambry Genetics
Classification: Uncertain significance for Cystic fibrosis. Last evaluated: 2021-09-17. Review status: criteria provided, single submitter. Criteria: Ambry Variant Classification Scheme 2023. Collection method: clinical testing. Allele origin: germline.
Comment: The p.V944L variant (also known as c.2830G>C), located in coding exon 17 of the CFTR gene, results from a G to C substitution at nucleotide position 2830. The valine at codon 944 is replaced by leucine, an amino acid with highly similar properties. This amino acid position is conserved. In addition, the in silico prediction for this alteration is inconclusive. Since supporting evidence is limited at this time, the clinical significance of this alteration remains unclear.

NM_000492.4(CFTR):c.2830G>C (p.Val944Leu)

Gene: CFTR (CF transmembrane conductance regulator; plus strand). Cytogenetic location: 7q31.2.
Variant type: single nucleotide variant.
Coding change: c.2830G>C on transcript NM_000492.4 (MANE Select); coding-DNA position 2830, G replaced by C.
Protein change: p.Val944Leu; replaces valine 944 with leucine.
Molecular consequence: missense variant.
Genome position (GRCh38, 1-based): chr7:117,603,704, G>C. VCF-style: chr7-117603704-G-C. GRCh37 (hg19) VCF-style: chr7-117243758-G-C.
Other names: short protein forms V944L.
Identifiers: ClinVar variation 1796591 (VCV001796591.2), dbSNP rs2485122208, ClinGen allele CA368987109.
Genomic context (GRCh38, chr7:117,603,704, plus strand): 5'-GACACTTTGCTTGCTATGGGATTCTTCAGAGGTCTACCACTGGTGCATACTCTAATCACA[G>C]TGTCGAAAATTTTACACCACAAAATGTTACATTCTGTTCTTCAAGCACCTATGTCAACCC-3'
Protein context (NP_000483.3, residues 934-954): GLPLVHTLIT[Val944Leu]SKILHHKMLH